The following is an entry in ClinVar:

NM_000057.4(BLM):c.164C>A (p.Ala55Glu)

Gene: BLM (BLM RecQ like helicase; plus strand). Cytogenetic location: 15q26.1.
Variant type: single nucleotide variant.
Coding change: c.164C>A on transcript NM_000057.4 (MANE Select); coding-DNA position 164, C replaced by A.
Protein change: p.Ala55Glu; replaces alanine 55 with glutamic acid.
Molecular consequence: missense variant. On other transcripts: 5 prime UTR variant (1).
Genome position (GRCh38, 1-based): chr15:90,749,432, C>A. VCF-style: chr15-90749432-C-A. GRCh37 (hg19) VCF-style: chr15-91292662-C-A.
Other names: c.164C>A (NM_000057.3); c.164C>A, p.Ala55Glu (NM_001287246.2, NM_001287247.2); c.-1128C>A (NM_001287248.2); short protein forms A55E.
Identifiers: ClinVar variation 3223973 (VCV003223973.4), dbSNP rs1895601835, ClinGen allele CA393839526.

ClinVar aggregate classification (germline): Uncertain significance. Review status: criteria provided, multiple submitters, no conflicts (2 of 4 stars). 3 submissions from 3 submitters: Uncertain significance (2). 1 of the submissions does not count toward it. Last evaluated 2024-02-25.

Conditions:
Bloom syndrome (BLM). Also called: Bloom-Torre-Machacek syndrome. Identifiers: Orphanet 125, MedGen C0005859, MONDO:0008876, OMIM 210900.
Hereditary cancer-predisposing syndrome. Also called: Tumor predisposition; Hereditary neoplastic syndrome; Hereditary Cancer Syndrome; Neoplastic Syndromes, Hereditary. Identifiers: Orphanet 140162, MedGen C0027672, MeSH D009386, MONDO:0015356.

Submissions (3):

Labcorp Genetics (formerly Invitae), Labcorp
Classification: Uncertain significance for Bloom syndrome. Last evaluated: 2024-02-25. Review status: criteria provided, single submitter. Criteria: Invitae Variant Classification Sherloc (09022015). Collection method: clinical testing. Allele origin: germline.
Comment: This sequence change replaces alanine, which is neutral and non-polar, with glutamic acid, which is acidic and polar, at codon 55 of the BLM protein (p.Ala55Glu). This variant is not present in population databases (gnomAD no frequency). This variant has not been reported in the literature in individuals affected with BLM-related conditions. An algorithm developed to predict the effect of missense changes on protein structure and function (PolyPhen-2) suggests that this variant is likely to be tolerated. In summary, the available evidence is currently insufficient to determine the role of this variant in disease. Therefore, it has been classified as a Variant of Uncertain Significance.

Ambry Genetics
Classification: Uncertain significance for Hereditary cancer-predisposing syndrome. Last evaluated: 2023-10-22. Review status: criteria provided, single submitter. Criteria: Ambry Variant Classification Scheme 2023. Collection method: clinical testing. Allele origin: germline.
Comment: The p.A55E variant (also known as c.164C>A), located in coding exon 2 of the BLM gene, results from a C to A substitution at nucleotide position 164. The alanine at codon 55 is replaced by glutamic acid, an amino acid with dissimilar properties. This amino acid position is conserved. In addition, this alteration is predicted to be tolerated by in silico analysis. Since supporting evidence is limited at this time, the clinical significance of this alteration remains unclear.

Natera, Inc.
Classification: Uncertain significance for Bloom syndrome. Last evaluated: 2025-03-24. Review status: no assertion criteria provided. Collection method: clinical testing. Allele origin: germline. Not counted in ClinVar's aggregate classification.